The following is an entry in ClinVar:

NM_005051.3(QARS1):c.40G>A (p.Gly14Ser)

Genes: QARS1 (glutaminyl-tRNA synthetase 1; minus strand), LOC129936736 (ATAC-STARR-seq lymphoblastoid active region 19853; plus strand). Cytogenetic location: 3p21.31.
Variant type: single nucleotide variant.
Coding change: c.40G>A on transcript NM_005051.3 (MANE Select); coding-DNA position 40, G replaced by A.
Protein change: p.Gly14Ser; replaces glycine 14 with serine.
Molecular consequence: missense variant. On other transcripts: non-coding transcript variant (1).
Genome position (GRCh38, 1-based): chr3:49,104,694, C>T on the plus strand (G>A on the coding strand, the complement: QARS1 is on the minus strand). VCF-style: chr3-49104694-C-T. GRCh37 (hg19) VCF-style: chr3-49142127-C-T.
Other names: c.40G>A, p.Gly14Ser (NM_001272073.2); short protein forms G14S.
Identifiers: ClinVar variation 520899 (VCV000520899.11), dbSNP rs1553752741, ClinGen allele CA352724141.
Genomic context (GRCh38, chr3:49,104,694, plus strand): 5'-GCAGCTGCGCGCTCAGAGCCGAGTTCTTGAGCGTCTCGCGGGCCTTCTGCTCGCTCAGGC[C>T]GAGGCTAGTGAAGAGCGACAGGGAGTCTAGAGCCGCCATTGCAGAGACACCGGAAACTAA-3'
Protein context (NP_005042.1, residues 4-24): LDSLSLFTSL[Gly14Ser]LSEQKARETL

ClinVar aggregate classification (germline): Uncertain significance. Review status: criteria provided, multiple submitters, no conflicts (2 of 4 stars). 2 submissions from 2 submitters: Uncertain significance (2). Last evaluated 2021-07-14.

Conditions:
Inborn genetic diseases. Identifiers: MedGen C0950123, MeSH D030342.
Diffuse cerebral and cerebellar atrophy - intractable seizures - progressive microcephaly syndrome. Also called: Microcephaly, progressive, with seizures and cerebral and cerebellar atrophy. Identifiers: Orphanet 404437, MedGen C4014239, MONDO:0014335, OMIM 615760.

Submissions (2):

Labcorp Genetics (formerly Invitae), Labcorp
Classification: Uncertain significance for Diffuse cerebral and cerebellar atrophy - intractable seizures - progressive microcephaly syndrome. Last evaluated: 2021-07-14. Review status: criteria provided, single submitter. Criteria: Invitae Variant Classification Sherloc (09022015). Collection method: clinical testing. Allele origin: germline.
Comment: In summary, the available evidence is currently insufficient to determine the role of this variant in disease. Therefore, it has been classified as a Variant of Uncertain Significance. Algorithms developed to predict the effect of missense changes on protein structure and function are either unavailable or do not agree on the potential impact of this missense change (SIFT: "Deleterious"; PolyPhen-2: "Possibly Damaging"; Align-GVGD: "Class C0"). ClinVar contains an entry for this variant (Variation ID: 520899). This variant has not been reported in the literature in individuals affected with QARS-related conditions. This variant is not present in population databases (ExAC no frequency). This sequence change replaces glycine with serine at codon 14 of the QARS protein (p.Gly14Ser). The glycine residue is highly conserved and there is a small physicochemical difference between glycine and serine.

Ambry Genetics
Classification: Uncertain significance for Inborn genetic diseases. Last evaluated: 2016-01-13. Review status: criteria provided, single submitter. Criteria: Ambry exome assertion method (8-5-2015). Collection method: clinical testing. Allele origin: germline. Affected: yes. Observed: 1 variant allele.